The following is an entry in ClinVar:

ClinVar aggregate classification (germline): Uncertain significance (1 of 4 stars; one submission).

Submission:

CeGaT Center for Human Genetics Tuebingen
Classification: Uncertain significance. Last evaluated: 2024-04-01. Review status: criteria provided, single submitter. Criteria: CeGaT Center For Human Genetics Tuebingen Variant Classification Criteria Version 2. Collection method: clinical testing. Allele origin: germline. Affected: yes. Observed: 1 variant allele.
Comment: KCNA5: PM2

NM_002234.4(KCNA5):c.1817A>C (p.Asp606Ala)

Gene: KCNA5 (potassium voltage-gated channel subfamily A member 5; plus strand). Cytogenetic location: 12p13.32.
Variant type: single nucleotide variant.
Coding change: c.1817A>C on transcript NM_002234.4 (MANE Select); coding-DNA position 1817, A replaced by C.
Protein change: p.Asp606Ala; replaces aspartic acid 606 with alanine.
Molecular consequence: missense variant.
Genome position (GRCh38, 1-based): chr12:5,045,964, A>C. VCF-style: chr12-5045964-A-C. GRCh37 (hg19) VCF-style: chr12-5155130-A-C.
Other names: short protein forms D606A.
Identifiers: ClinVar variation 3234440 (VCV003234440.20), dbSNP rs199616466, ClinGen allele CA383467283.